The following is an entry in ClinVar:

NM_014053.4(FLVCR1):c.*2860C>A

Gene: FLVCR1 (FLVCR choline and heme transporter 1; plus strand). Cytogenetic location: 1q32.3.
Variant type: single nucleotide variant.
Coding change: c.*2860C>A on transcript NM_014053.4 (MANE Select); 2860 bases downstream of the stop codon, C replaced by A.
Molecular consequence: 3 prime UTR variant.
Genome position (GRCh38, 1-based): chr1:212,898,150, C>A. VCF-style: chr1-212898150-C-A. GRCh37 (hg19) VCF-style: chr1-213071492-C-A.
Identifiers: ClinVar variation 874987 (VCV000874987.4), dbSNP rs138737189, ClinGen allele CA36902582.

ClinVar aggregate classification (germline): Likely benign (1 of 4 stars; one submission).

Conditions:
Posterior column ataxia-retinitis pigmentosa syndrome (RETSNS). Also called: RETINOPATHY-SENSORY NEUROPATHY SYNDROME. Identifiers: Orphanet 88628, MedGen C1836916, MONDO:0012177, OMIM 609033.

Allele frequency attached by ClinVar (database versions not stated): 1000 Genomes Project 0.00220; 1000 Genomes Project 30x 0.00265; TOPMed 0.00539; gnomAD 0.00676 and 0.00702.

Submission:

Illumina Laboratory Services, Illumina
Classification: Likely benign for Posterior column ataxia-retinitis pigmentosa syndrome. Last evaluated: 2018-01-13. Review status: criteria provided, single submitter. Criteria: ICSL Variant Classification Criteria 13 December 2019. Collection method: clinical testing. Allele origin: germline.
Comment: This variant was observed in the ICSL laboratory as part of a predisposition screen in an ostensibly healthy population. It had not been previously curated by ICSL or reported in the Human Gene Mutation Database (HGMD: prior to June 1st, 2018), and was therefore a candidate for classification through an automated scoring system. Utilizing variant allele frequency, disease prevalence and penetrance estimates, and inheritance mode, an automated score was calculated to assess if this variant is too frequent to cause the disease. Based on the score and internal cut-off values, a variant classified as likely benign is not then subjected to further curation. The score for this variant resulted in a classification of likely benign for this disease.